The following is an entry in ClinVar:

NM_000090.4(COL3A1):c.1526G>A (p.Arg509His)

Gene: COL3A1 (collagen type III alpha 1 chain; plus strand). Cytogenetic location: 2q32.2.
Variant type: single nucleotide variant.
Coding change: c.1526G>A on transcript NM_000090.4 (MANE Select); coding-DNA position 1526, G replaced by A.
Protein change: p.Arg509His; replaces arginine 509 with histidine.
Molecular consequence: missense variant.
Genome position (GRCh38, 1-based): chr2:188,995,708, G>A. VCF-style: chr2-188995708-G-A. GRCh37 (hg19) VCF-style: chr2-189860434-G-A.
Other names: p.Arg509His; p.(Arg509His); short protein forms R509H.
Identifiers: ClinVar variation 426985 (VCV000426985.31), dbSNP rs568986390, ClinGen allele CA074449.

ClinVar aggregate classification (germline): Conflicting classifications of pathogenicity. Review status: criteria provided, conflicting classifications (1 of 4 stars). 9 submissions from 9 submitters: Uncertain significance (7); Likely benign (2). Last evaluated 2025-12-01.

Conditions:
Ehlers-Danlos syndrome, type 4 (EDSVASC). Also called: Ehlers-Danlos syndrome vascular type; Ehlers Danlos syndrome, ecchymotic type; Ehlers Danlos syndrome, arterial type; Ehlers Danlos syndrome, Sack-Barabas type; Ehlers-Danlos Syndrome Type IV. Identifiers: Orphanet 286, MedGen C0268338, MONDO:0017314, OMIM 130050.
Polymicrogyria with or without vascular-type Ehlers-Danlos syndrome. Identifiers: Orphanet 636941, MedGen C5193040, MONDO:0032688, OMIM 618343.
Familial thoracic aortic aneurysm and aortic dissection (TAAD). Also called: Thoracic aortic aneurysms and dissections. Identifiers: Orphanet 91387, MedGen C4707243, MONDO:0019625.

Allele frequency attached by ClinVar (database versions not stated): ExAC 0.00010; gnomAD 0.00006 and 0.00004; TOPMed 0.00007; gnomAD exomes 0.00004.

Submissions (9):

Women's Health and Genetics/Laboratory Corporation of America, LabCorp
Classification: Uncertain significance. Last evaluated: 2025-12-01. Review status: criteria provided, single submitter. Criteria: LabCorp Variant Classification Summary - May 2015. Collection method: clinical testing. Allele origin: germline.
Comment: Variant summary: COL3A1 c.1526G>A (p.Arg509His) results in a non-conservative amino acid change in the encoded protein sequence. Algorithms developed to predict the effect of missense changes on protein structure and function all suggest that this variant is likely to be disruptive. The variant allele was found at a frequency of 3.6e-05 in 164704 control chromosomes. The available data on variant occurrences in the general population are insufficient to allow any conclusion about variant significance. To our knowledge, no occurrence of c.1526G>A in individuals affected with COL3A1-related conditions and no experimental evidence demonstrating its impact on protein function have been reported. ClinVar contains an entry for this variant (Variation ID: 426985). Based on the evidence outlined above, the variant was classified as uncertain significance.

Labcorp Genetics (formerly Invitae), Labcorp
Classification: Uncertain significance for Ehlers-Danlos syndrome, type 4. Last evaluated: 2025-11-12. Review status: criteria provided, single submitter. Criteria: Invitae Variant Classification Sherloc (09022015). Collection method: clinical testing. Allele origin: germline.
Comment: This sequence change replaces arginine, which is basic and polar, with histidine, which is basic and polar, at codon 509 of the COL3A1 protein (p.Arg509His). This variant is present in population databases (rs568986390, gnomAD 0.01%). This missense change has been observed in individual(s) with clinical features of COL3A1-related conditions (internal data). ClinVar contains an entry for this variant (Variation ID: 426985). Invitae Evidence Modeling of protein sequence and biophysical properties (such as structural, functional, and spatial information, amino acid conservation, physicochemical variation, residue mobility, and thermodynamic stability) indicates that this missense variant is not expected to disrupt COL3A1 protein function with a negative predictive value of 95%. In summary, the available evidence is currently insufficient to determine the role of this variant in disease. Therefore, it has been classified as a Variant of Uncertain Significance.

Color Diagnostics, LLC DBA Color Health
Classification: Likely benign for Familial thoracic aortic aneurysm and aortic dissection. Last evaluated: 2025-09-15. Review status: criteria provided, single submitter. Criteria: ACMG Guidelines, 2015. Collection method: clinical testing. Allele origin: germline.

GeneDx
Classification: Uncertain significance. Last evaluated: 2025-06-14. Review status: criteria provided, single submitter. Criteria: GeneDx Variant Classification Process June 2021. Collection method: clinical testing. Allele origin: germline. Affected: yes.
Comment: Reported in an individual with a clinical diagnosis of classic EDS (PMID: 38534782); In silico analysis supports that this missense variant has a deleterious effect on protein structure/function; Occurs in the triple helical domain at the Y position in the canonical Gly-X-Y repeat; although this variant may have an effect on normal protein folding and function, missense substitution at the Y position is not a common mechanism of disease (HGMD); This variant is associated with the following publications: (PMID: 38534782, Tonk2025[CaseReport])

Mayo Clinic Laboratories, Mayo Clinic
Classification: Uncertain significance. Last evaluated: 2024-09-26. Review status: criteria provided, single submitter. Criteria: ACMG Guidelines, 2015. Collection method: clinical testing. Allele origin: germline. Observed: 1 variant allele.
Comment: BS1

Centre of Medical Genetics, University of Antwerp
Classification: Uncertain significance for Familial thoracic aortic aneurysm and aortic dissection. Last evaluated: 2024-09-06. Review status: criteria provided, single submitter. Criteria: ACMG Guidelines, 2015. Collection method: clinical testing. Allele origin: germline. Affected: yes.

Ambry Genetics
Classification: Likely benign for Familial thoracic aortic aneurysm and aortic dissection. Last evaluated: 2024-03-21. Review status: criteria provided, single submitter. Criteria: Ambry Variant Classification Scheme 2023. Collection method: clinical testing. Allele origin: germline.

All of Us Research Program, National Institutes of Health
Classification: Uncertain significance for Ehlers-Danlos syndrome, type 4. Last evaluated: 2024-02-05. Review status: criteria provided, single submitter. Criteria: ACMG Guidelines, 2015. Collection method: clinical testing. Allele origin: germline. Inheritance: Autosomal dominant inheritance. Observed: 21 variant alleles, 21 heterozygotes.
Comment: This missense variant replaces arginine with histidine at codon 509 of the COL3A1 protein. Computational prediction is inconclusive regarding the impact of this variant on protein structure and function (internally defined REVEL score threshold 0.5 < inconclusive < 0.7, PMID: 27666373). To our knowledge, functional studies have not been reported for this variant. This variant has not been reported in individuals affected with cardiovascular disorders in the literature. This variant has been identified in 6/164704 chromosomes in the general population by the Genome Aggregation Database (gnomAD). The available evidence is insufficient to determine the role of this variant in disease conclusively. Therefore, this variant is classified as a Variant of Uncertain Significance.

This study involves interpretation of variants in research participants for the purpose of population health screening. Participant phenotype was not available at the time of variant classification. Additional details can be found in publication PMID: 35346344, PMCID: PMC8962531

ARUP Laboratories, Molecular Genetics and Genomics, ARUP Laboratories
Classification: Uncertain significance. Last evaluated: 2021-02-25. Review status: criteria provided, single submitter. Criteria: ARUP Molecular Germline Variant Investigation Process 2021. Collection method: clinical testing. Allele origin: germline.
Comment: The COL3A1 c.1526G>A; p.Arg509His variant (rs568986390), to our knowledge, is not reported in the medical literature but is reported in ClinVar (Variation ID: 426985). This variant is found in the general population with an overall allele frequency of 0.003% (6/164704 alleles) in the Genome Aggregation Database. The arginine at codon 509 is highly conserved, but computational analyses are uncertain whether this variant is neutral or deleterious (REVEL: 0.693). However, given the lack of clinical and functional data, the significance of the p.Arg509His variant is uncertain at this time.